The following is an entry in ClinVar:

NM_001267550.2(TTN):c.88028G>C (p.Arg29343Pro)

Genes: TTN (titin; minus strand), TTN-AS1 (TTN antisense RNA 1; plus strand). Cytogenetic location: 2q31.2.
Variant type: single nucleotide variant.
Coding change: c.88028G>C on transcript NM_001267550.2 (MANE Select); coding-DNA position 88028, G replaced by C.
Protein change: p.Arg29343Pro; replaces arginine 29343 with proline.
Molecular consequence: missense variant.
Genome position (GRCh38, 1-based): chr2:178,557,126, C>G on the plus strand (G>C on the coding strand, the complement: TTN is on the minus strand). VCF-style: chr2-178557126-C-G. GRCh37 (hg19) VCF-style: chr2-179421853-C-G.
Other names: c.83105G>C, p.Arg27702Pro (NM_001256850.1); c.60833G>C, p.Arg20278Pro (NM_003319.4); c.80324G>C, p.Arg26775Pro (NM_133378.4); c.61208G>C, p.Arg20403Pro (NM_133432.3); c.61409G>C, p.Arg20470Pro (NM_133437.4); short protein forms R20278P, R20403P, R20470P, R26775P, R27702P, R29343P.
Identifiers: ClinVar variation 2437955 (VCV002437955.3), dbSNP rs73036368, ClinGen allele CA349532222.

ClinVar aggregate classification (germline): Uncertain significance. Review status: criteria provided, multiple submitters, no conflicts (2 of 4 stars). 2 submissions from 2 submitters: Uncertain significance (2). Last evaluated 2023-12-13.

gnomAD v4.1: 9 of 1,613,576 alleles (0.00056%); highest among the groups gnomAD compares: Non-Finnish European, 0.00076%; no homozygotes.

Submissions (2):

Women's Health and Genetics/Laboratory Corporation of America, LabCorp
Classification: Uncertain significance. Last evaluated: 2023-12-13. Review status: criteria provided, single submitter. Criteria: LabCorp Variant Classification Summary - May 2015. Collection method: clinical testing. Allele origin: germline.
Comment: Variant summary: TTN c.80324G>C (p.Arg26775Pro) results in a non-conservative amino acid change located in the A-band of the encoded protein sequence. Three of four in-silico tools predict a damaging effect of the variant on protein function. The variant was absent in 247548 control chromosomes. The available data on variant occurrences in the general population are insufficient to allow any conclusion about variant significance. To our knowledge, no occurrence of c.80324G>C in individuals affected with Limb-Girdle Muscular Dystrophy, Type 2J and no experimental evidence demonstrating its impact on protein function have been reported. One submitter has cited clinical-significance assessments for this variant to ClinVar after 2014 and has classified the variant as uncertain significance. Based on the evidence outlined above, the variant was classified as uncertain significance.

Revvity Omics, Revvity
Classification: Uncertain significance. Last evaluated: 2021-12-16. Review status: criteria provided, single submitter. Criteria: ACMG Guidelines, 2015. Collection method: clinical testing. Allele origin: germline.